The following is an entry in ClinVar:

NM_000492.4(CFTR):c.1583A>C (p.Glu528Ala)

Genes: CFTR (CF transmembrane conductance regulator; plus strand), CFTR-AS1 (CFTR antisense RNA 1; minus strand). Cytogenetic location: 7q31.2.
Variant type: single nucleotide variant.
Coding change: c.1583A>C on transcript NM_000492.4 (MANE Select); coding-DNA position 1583, A replaced by C.
Protein change: p.Glu528Ala; replaces glutamic acid 528 with alanine.
Molecular consequence: missense variant.
Genome position (GRCh38, 1-based): chr7:117,559,654, A>C. VCF-style: chr7-117559654-A-C. GRCh37 (hg19) VCF-style: chr7-117199708-A-C.
Other names: short protein forms E528A.
Identifiers: ClinVar variation 1775747 (VCV001775747.4), dbSNP rs1562898548, ClinGen allele CA368985061.

ClinVar aggregate classification (germline): Uncertain significance. Review status: criteria provided, single submitter (1 of 4 stars). 2 submissions from 2 submitters: Uncertain significance (1). 1 of the submissions does not count toward it. Last evaluated 2024-09-25.

Conditions:
CFTR-related disorder (CFTR-RD). Also called: CFTR-related condition; CFTR-related disorders. Identifiers: MedGen C5924204, MONDO:7770004.
Cystic fibrosis (CF). Also called: MUCOVISCIDOSIS. Identifiers: Orphanet 586, MedGen C0010674, MONDO:0009061, OMIM 219700. Disease mechanism: loss of function.

Allele frequency attached by ClinVar (database versions not stated): gnomAD exomes 0.00002.
gnomAD v4.1: 22 of 1,611,070 alleles (0.0014%); highest among the groups gnomAD compares: Non-Finnish European, 0.0018%; no homozygotes.

Submissions (2):

Ambry Genetics
Classification: Uncertain significance for Cystic fibrosis. Last evaluated: 2024-09-25. Review status: criteria provided, single submitter. Criteria: Ambry Variant Classification Scheme 2023. Collection method: clinical testing. Allele origin: germline.
Comment: The p.E528A variant (also known as c.1583A>C), located in coding exon 11 of the CFTR gene, results from an A to C substitution at nucleotide position 1583. The glutamic acid at codon 528 is replaced by alanine, an amino acid with dissimilar properties. This amino acid position is conserved. In addition, this alteration is predicted to be deleterious by in silico analysis. Since supporting evidence is limited at this time, the clinical significance of this alteration remains unclear.

Molecular Genetics Laboratory, BC Children's and BC Women's Hospitals
Classification: Uncertain significance for CFTR-related disorder. Last evaluated: 2024-01-18. Review status: no assertion criteria provided. Criteria: ACMG Guidelines, 2015. Collection method: clinical testing. Allele origin: germline. Affected: yes. Not counted in ClinVar's aggregate classification.